The following is an entry in ClinVar:

NM_003073.5(SMARCB1):c.203del (p.His68fs)

Gene: SMARCB1 (SWI/SNF related BAF chromatin remodeling complex subunit B1; plus strand). Cytogenetic location: 22q11.23.
Variant type: Deletion.
Coding change: c.203del on transcript NM_003073.5 (MANE Select); coding-DNA position 203, one base deleted (A; older notation c.203delA).
Protein change: p.His68fs; shifts the reading frame from histidine 68.
Molecular consequence: frameshift variant.
Genome position (GRCh38, 1-based): chr22:23,791,865, A deleted. VCF-style (leftmost placement, unchanged base first): chr22-23791864-CA-C. GRCh37 (hg19) VCF-style: chr22-24134051-CA-C.
Other names: c.203del, p.His68fs (NM_001007468.3, NM_001317946.2, NM_001362877.2); short protein forms H68fs.
Identifiers: ClinVar variation 3958516 (VCV003958516.1).

ClinVar aggregate classification (germline): Pathogenic (1 of 4 stars; one submission).

Conditions:
Hereditary cancer-predisposing syndrome. Also called: Tumor predisposition; Hereditary neoplastic syndrome; Hereditary Cancer Syndrome; Neoplastic Syndromes, Hereditary. Identifiers: Orphanet 140162, MedGen C0027672, MeSH D009386, MONDO:0015356.

Submission:

Ambry Genetics
Classification: Pathogenic for Hereditary cancer-predisposing syndrome. Last evaluated: 2025-04-20. Review status: criteria provided, single submitter. Criteria: Ambry Variant Classification Scheme 2023. Collection method: clinical testing. Allele origin: germline.
Comment: The c.203delA pathogenic mutation, located in coding exon 2 of the SMARCB1 gene, results from a deletion of one nucleotide at nucleotide position 203, causing a translational frameshift with a predicted alternate stop codon (p.H68Lfs*17). This alteration is expected to result in loss of function by premature protein truncation or nonsense-mediated mRNA decay. Loss-of-function variants in SMARCB1 are known to cause rhabdoid tumor predisposition syndrome; however, such associations with neurodevelopmental disorders are exceedingly rare (Kosho T et al. Am J Med Genet C Semin Med Genet. 2014 Sep;166C(3):262-75; Eaton KW et al. Pediatr Blood Cancer. 2011 Jan;56(1):7-15). Based on the supporting evidence, this alteration is pathogenic for SMARCB1-related tumor predisposition syndrome; however, the association of this alteration with Coffin-Siris syndrome is unlikely.